The following is an entry in ClinVar:

ClinVar aggregate classification (germline): Uncertain significance (1 of 4 stars; one submission).

gnomAD v4.1: 1 of 1,612,830 alleles (0.000062%); highest among the groups gnomAD compares: Non-Finnish European, 0.000085%; no homozygotes.

Submission:

Ambry Genetics
Classification: Uncertain significance. Last evaluated: 2025-11-24. Review status: criteria provided, single submitter. Criteria: Ambry Variant Classification Scheme 2023. Collection method: clinical testing. Allele origin: germline.
Comment: The p.V481L variant (also known as c.1441G>T), located in coding exon 2 of the CDK12 gene, results from a G to T substitution at nucleotide position 1441. The valine at codon 481 is replaced by leucine, an amino acid with highly similar properties. This amino acid position is conserved. In addition, this alteration is predicted to be tolerated by in silico analysis. Based on the available evidence, the clinical significance of this variant remains unclear.

NM_016507.4(CDK12):c.1441G>T (p.Val481Leu)

Gene: CDK12 (cyclin dependent kinase 12; plus strand). Cytogenetic location: 17q12.
Variant type: single nucleotide variant.
Coding change: c.1441G>T on transcript NM_016507.4 (MANE Select); coding-DNA position 1441, G replaced by T.
Protein change: p.Val481Leu; replaces valine 481 with leucine.
Molecular consequence: missense variant.
Genome position (GRCh38, 1-based): chr17:39,471,273, G>T. VCF-style: chr17-39471273-G-T. GRCh37 (hg19) VCF-style: chr17-37627526-G-T.
Other names: c.1441G>T, p.Val481Leu (NM_015083.4); short protein forms V481L.
Identifiers: ClinVar variation 4651459 (VCV004651459.1).